The following is an entry in ClinVar:

ClinVar aggregate classification (germline): Benign. Review status: criteria provided, multiple submitters, no conflicts (2 of 4 stars). 2 submissions from 2 submitters: Benign (2). Last evaluated 2018-01-13.

Conditions:
Megalencephalic leukoencephalopathy with subcortical cysts 1 (MLC1). Also called: LEUKOENCEPHALOPATHY WITH SWELLING AND CYSTS; VACUOLATING MEGALENCEPHALIC LEUKOENCEPHALOPATHY WITH SUBCORTICAL CYSTS. Identifiers: Orphanet 2478, MedGen C5779875, MONDO:0024555, OMIM 604004.

Allele frequency attached by ClinVar (database versions not stated): 1000 Genomes Project 0.05631; 1000 Genomes Project 30x 0.05715; gnomAD exomes 0.06633; TOPMed 0.09420; gnomAD 0.09684 and 0.09905.
gnomAD v4.1: 14,823 of 152,446 alleles (9.7%); highest among the groups gnomAD compares: Non-Finnish European, 13%; 871 homozygotes.

Submissions (2):

Illumina Laboratory Services, Illumina
Classification: Benign for Megalencephalic leukoencephalopathy with subcortical cysts 1. Last evaluated: 2018-01-13. Review status: criteria provided, single submitter. Criteria: ICSL Variant Classification Criteria 13 December 2019. Collection method: clinical testing. Allele origin: germline.
Comment: This variant was observed in the ICSL laboratory as part of a predisposition screen in an ostensibly healthy population. It had not been previously curated by ICSL or reported in the Human Gene Mutation Database (HGMD: prior to June 1st, 2018), and was therefore a candidate for classification through an automated scoring system. Utilizing variant allele frequency, disease prevalence and penetrance estimates, and inheritance mode, an automated score was calculated to assess if this variant is too frequent to cause the disease. Based on the score and internal cut-off values, a variant classified as benign is not then subjected to further curation. The score for this variant resulted in a classification of benign for this disease.

Breakthrough Genomics
Classification: Benign. Review status: criteria provided, single submitter. Criteria: ACMG Guidelines, 2015. Collection method: not provided. Allele origin: germline. Inheritance: Autosomal recessive inheritance. Affected: yes.

NM_015166.4(MLC1):c.*1836G>A

Gene: MLC1 (modulator of VRAC current 1; minus strand). Cytogenetic location: 22q13.33.
Variant type: single nucleotide variant.
Coding change: c.*1836G>A on transcript NM_015166.4 (MANE Select); 1836 bases downstream of the stop codon, G replaced by A.
Molecular consequence: 3 prime UTR variant. On other transcripts: non-coding transcript variant (3).
Genome position (GRCh38, 1-based): chr22:50,059,747, C>T on the plus strand (G>A on the coding strand, the complement: MLC1 is on the minus strand). VCF-style: chr22-50059747-C-T. GRCh37 (hg19) VCF-style: chr22-50498176-C-T.
Other names: c.*1836G>A (NM_001376472.1, NM_001376473.1, NM_001376474.1 and 9 more transcripts); c.*451G>A (NM_001376477.1, NM_001376478.1).
Identifiers: ClinVar variation 342076 (VCV000342076.6), dbSNP rs11703598, ClinGen allele CA10645730.